The following is an entry in ClinVar:

ClinVar aggregate classification (germline): Benign/Likely benign. Review status: criteria provided, multiple submitters, no conflicts (2 of 4 stars). 11 submissions from 11 submitters: Benign (5); Likely benign (3). 3 of the submissions do not count toward it. Last evaluated 2026-02-13.

Conditions:
Brittle cornea syndrome 1 (BCS1). Also called: Corneal fragility keratoglobus, blue sclerae AND joint hypermobility; CORNEAL FRAGILITY, KERATOGLOBUS, BLUE SCLERAE, JOINT HYPEREXTENSIBILITY; EDS6B; FRAGILITAS OCULI WITH JOINT HYPEREXTENSIBILITY; DYSGENESIS MESODERMALIS CORNEAE ET SCLERAE. Identifiers: Orphanet 90354, MedGen C0268344, MONDO:0024543, OMIM 229200.
Cardiovascular phenotype. Identifiers: MedGen CN230736.
ZNF469-related disorder. Also called: ZNF469-related condition.

Allele frequency attached by ClinVar (database versions not stated): gnomAD exomes 0.00039 and 0.00104; ExAC 0.00179; gnomAD 0.00439 and 0.00467; 1000 Genomes Project 0.00479; TOPMed 0.00489; 1000 Genomes Project 30x 0.00578.
gnomAD v4.1: 1,222 of 1,550,392 alleles (0.079%); highest among the groups gnomAD compares: African/African-American, 1.5%; 11 homozygotes.

Submissions (11):

Women's Health and Genetics/Laboratory Corporation of America, LabCorp
Classification: Likely benign. Last evaluated: 2026-02-13. Review status: criteria provided, single submitter. Criteria: LabCorp Variant Classification Summary - May 2015. Collection method: clinical testing. Allele origin: germline.
Comment: Variant summary: ZNF469 c.5414C>A (p.Pro1805His) results in a non-conservative amino acid change in the encoded protein sequence. Algorithms developed to predict the effect of missense changes on protein structure and function are either unavailable or do not agree on the potential impact of this missense change. The variant allele was found at a frequency of 0.001 in 152834 control chromosomes, predominantly at a frequency of 0.018 within the African or African-American subpopulation in the gnomAD database, including 3 homozygotes. The observed variant frequency within African or African-American control individuals in the gnomAD database exceeds the estimated maximal expected allele frequency for disease-causing variants in ZNF469. To our knowledge, no occurrence of c.5414C>A in individuals affected with ZNF469-related conditions and no experimental evidence demonstrating its impact on protein function have been reported. ClinVar contains an entry for this variant (Variation ID: 426323). Based on the evidence outlined above, the variant was classified as likely benign.

Labcorp Genetics (formerly Invitae), Labcorp
Classification: Benign. Last evaluated: 2026-02-02. Review status: criteria provided, single submitter. Criteria: Invitae Variant Classification Sherloc (09022015). Collection method: clinical testing. Allele origin: germline.

Blueprint Genetics
Classification: Likely benign. Last evaluated: 2024-11-14. Review status: criteria provided, single submitter. Criteria: ACMG Guidelines, 2015. Collection method: clinical testing. Allele origin: germline.

Mayo Clinic Laboratories, Mayo Clinic
Classification: Benign. Last evaluated: 2023-10-30. Review status: criteria provided, single submitter. Criteria: ACMG Guidelines, 2015. Collection method: clinical testing. Allele origin: germline. Observed: 3 variant alleles.
Comment: BS1, BS2, BP4

Genome-Nilou Lab
Classification: Benign for Brittle cornea syndrome 1. Last evaluated: 2021-12-05. Review status: criteria provided, single submitter. Criteria: ACMG Guidelines, 2015. Collection method: clinical testing. Allele origin: germline. Affected: no.

Ambry Genetics
Classification: Likely benign for Cardiovascular phenotype. Last evaluated: 2019-09-17. Review status: criteria provided, single submitter. Criteria: Ambry Variant Classification Scheme 2023. Collection method: clinical testing. Allele origin: germline.

GeneDx
Classification: Benign. Last evaluated: 2019-04-04. Review status: criteria provided, single submitter. Criteria: GeneDx Variant Classification Process June 2021. Collection method: clinical testing. Allele origin: germline. Affected: yes.

Breakthrough Genomics
Classification: Benign. Review status: criteria provided, single submitter. Criteria: ACMG Guidelines, 2015. Collection method: not provided. Allele origin: germline. Inheritance: Autosomal recessive inheritance. Affected: yes.

PreventionGenetics, part of Exact Sciences
Classification: Benign for ZNF469-related condition. Last evaluated: 2019-05-03. Review status: no assertion criteria provided. Collection method: clinical testing. Allele origin: germline. Not counted in ClinVar's aggregate classification.
Comment: This variant is classified as benign based on ACMG/AMP sequence variant interpretation guidelines (Richards et al. 2015 PMID: 25741868, with internal and published modifications).

Clinical Genetics DNA and cytogenetics Diagnostics Lab, Erasmus MC, Erasmus Medical Center
Classification: Benign. Review status: no assertion criteria provided. Collection method: clinical testing. Allele origin: germline. Affected: yes. Study: VKGL Data-share Consensus. Not counted in ClinVar's aggregate classification.

Genome Diagnostics Laboratory, Amsterdam University Medical Center
Classification: Benign. Review status: no assertion criteria provided. Collection method: clinical testing. Allele origin: germline. Affected: yes. Study: VKGL Data-share Consensus. Not counted in ClinVar's aggregate classification.

NM_001367624.2(ZNF469):c.5414C>A (p.Pro1805His)

Gene: ZNF469 (zinc finger protein 469; plus strand). Cytogenetic location: 16q24.2.
Variant type: single nucleotide variant.
Coding change: c.5414C>A on transcript NM_001367624.2 (MANE Select); coding-DNA position 5414, C replaced by A.
Protein change: p.Pro1805His; replaces proline 1805 with histidine.
Molecular consequence: missense variant.
Genome position (GRCh38, 1-based): chr16:88,432,884, C>A. VCF-style: chr16-88432884-C-A. GRCh37 (hg19) VCF-style: chr16-88499292-C-A.
Other names: NM_001127464.1:c.5330C>A; NM_001127464.2:c.5330C>A; p.Pro1805His; short protein forms P1805H.
Identifiers: ClinVar variation 426323 (VCV000426323.21), dbSNP rs78446958, ClinGen allele CA8225077.